The following is an entry in ClinVar:

ClinVar aggregate classification (germline): Likely pathogenic (1 of 4 stars; one submission).

Conditions:
Neuronal ceroid lipofuscinosis. Also called: Neuronal Ceroid Lipofuscinoses. Identifiers: Orphanet 216, Orphanet 79263, MedGen C0027877, MONDO:0016295. Disease mechanism: loss of function.

Submission:

Women's Health and Genetics/Laboratory Corporation of America, LabCorp
Classification: Likely pathogenic for Neuronal ceroid lipofuscinosis. Last evaluated: 2023-02-14. Review status: criteria provided, single submitter. Criteria: LabCorp Variant Classification Summary - May 2015. Collection method: clinical testing. Allele origin: germline.
Comment: Variant summary: The variant identified by MLPA or other technology involves the deletion of exons 5-7 in the MFSD8 gene. A presumed nomenclature of c.(198+1_199-1)_(698+1_699-1)del has been designated for the purposes of this classification. Although exact breakpoints of this deletion are not known, it is expected to result in a frameshift in the MFSD8 gene, a known mechanism of disease. The variant was absent in 21690 control chromosomes (gnomAD Structural Variants dataset). To our knowledge, no occurrence of c.(198+1_199-1)_(698+1_699-1)del in individuals affected with Neuronal Ceroid-Lipofuscinosis (Batten Disease) and no experimental evidence demonstrating its impact on protein function have been reported. No clinical diagnostic laboratories have submitted clinical-significance assessments for this variant to ClinVar after 2014. Based on the evidence outlined above, the variant was classified as likely pathogenic.

NC_000004.11:g.(128859994_128861007)_(128865148_128870958)del

Gene: MFSD8 (major facilitator superfamily domain containing 8; minus strand). Cytogenetic location: 4q28.2.
Variant type: Deletion.
Identifiers: ClinVar variation 2445845 (VCV002445845.1).